The following is an entry in ClinVar:

ClinVar aggregate classification (germline): Uncertain significance (1 of 4 stars; one submission).

Conditions:
Renal hypodysplasia/aplasia 3 (RHDA3). Identifiers: MedGen C4540497, MONDO:0024520, OMIM 617805.

Submission:

3billion
Classification: Uncertain significance for Renal hypodysplasia/aplasia 3. Last evaluated: 2024-01-29. Review status: criteria provided, single submitter. Criteria: ACMG Guidelines, 2015. Collection method: clinical testing. Allele origin: germline. Affected: yes.
Comment: The variant is not observed in the gnomAD v2.1.1 dataset. Predicted Consequence/Location: Missense variant In silico tool predictions suggest damaging effect of the variant on gene or gene product [3Cnet: 0.66 (>=0.6, sensitivity 0.72 and precision 0.9)]. Therefore, this variant is classified as VUS according to the recommendation of ACMG/AMP guideline.

NM_001142966.3(GREB1L):c.2117T>A (p.Phe706Tyr)

Gene: GREB1L (GREB1 like retinoic acid receptor coactivator; plus strand). Cytogenetic location: 18q11.1.
Variant type: single nucleotide variant.
Coding change: c.2117T>A on transcript NM_001142966.3 (MANE Select); coding-DNA position 2117, T replaced by A.
Protein change: p.Phe706Tyr; replaces phenylalanine 706 with tyrosine.
Molecular consequence: missense variant.
Genome position (GRCh38, 1-based): chr18:21,454,498, T>A. VCF-style: chr18-21454498-T-A. GRCh37 (hg19) VCF-style: chr18-19034459-T-A.
Other names: c.2246T>A, p.Phe749Tyr (NM_001410867.1); c.1790T>A, p.Phe597Tyr (NM_001410868.1); short protein forms F597Y, F706Y, F749Y.
Identifiers: ClinVar variation 3775911 (VCV003775911.1).